The following is an entry in ClinVar:

NM_001365951.3(KIF1B):c.3045G>A (p.Ala1015=)

Gene: KIF1B (kinesin family member 1B; plus strand). Cytogenetic location: 1p36.22.
Variant type: single nucleotide variant.
Coding change: c.3045G>A on transcript NM_001365951.3 (MANE Select); coding-DNA position 3045, G replaced by A.
Protein change: p.Ala1015=; no amino-acid change (alanine 1015 retained).
Molecular consequence: synonymous variant.
Genome position (GRCh38, 1-based): chr1:10,336,658, G>A. VCF-style: chr1-10336658-G-A. GRCh37 (hg19) VCF-style: chr1-10396716-G-A.
Other names: c.3045G>A, p.Ala1015= (NM_001365952.1); c.2907G>A, p.Ala969= (NM_015074.3).
Identifiers: ClinVar variation 1410713 (VCV001410713.10), dbSNP rs772919031, ClinGen allele CA581698.

ClinVar aggregate classification (germline): Conflicting classifications of pathogenicity. Review status: criteria provided, conflicting classifications (1 of 4 stars). 2 submissions from 2 submitters: Uncertain significance (1); Likely benign (1). Last evaluated 2026-01-10.

Conditions:
Charcot-Marie-Tooth disease type 2. Also called: Charcot-Marie-Tooth type 2. Identifiers: Orphanet 64746, MedGen C0270914, MONDO:0018993.

Allele frequency attached by ClinVar (database versions not stated): ExAC 0.00003; gnomAD exomes 0.00001 and 0.00003; TOPMed 0.00003.
gnomAD v4.1: 14 of 1,613,480 alleles (0.00087%); highest among the groups gnomAD compares: Admixed American, 0.013%; no homozygotes.

Submissions (2):

Labcorp Genetics (formerly Invitae), Labcorp
Classification: Uncertain significance for Charcot-Marie-Tooth disease type 2. Last evaluated: 2026-01-10. Review status: criteria provided, single submitter. Criteria: Invitae Variant Classification Sherloc (09022015). Collection method: clinical testing. Allele origin: germline.
Comment: This sequence change affects codon 969 of the KIF1B mRNA. It is a 'silent' change, meaning that it does not change the encoded amino acid sequence of the KIF1B protein. This variant is present in population databases (rs772919031, gnomAD 0.02%). This variant has not been reported in the literature in individuals affected with KIF1B-related conditions. ClinVar contains an entry for this variant (Variation ID: 1410713). Algorithms developed to predict the effect of sequence changes on RNA splicing suggest that this variant may create or strengthen a splice site. In summary, the available evidence is currently insufficient to determine the role of this variant in disease. Therefore, it has been classified as a Variant of Uncertain Significance.

Ambry Genetics
Classification: Likely benign. Last evaluated: 2021-08-10. Review status: criteria provided, single submitter. Criteria: Ambry Variant Classification Scheme 2023. Collection method: clinical testing. Allele origin: germline.